The following is an entry in ClinVar:

ClinVar aggregate classification (germline): Likely benign. Review status: criteria provided, multiple submitters, no conflicts (2 of 4 stars). 7 submissions from 7 submitters: Likely benign (6). 1 of the submissions does not count toward it. Last evaluated 2026-01-12.

Conditions:
Cardiovascular phenotype. Identifiers: MedGen CN230736.
Osteogenesis imperfecta type I (OI1). Also called: Osteogenesis imperfecta type 1; Classic Non-deforming Osteogenesis Imperfecta with Blue Sclerae; OI, TYPE I; OSTEOGENESIS IMPERFECTA TARDA; OSTEOGENESIS IMPERFECTA WITH BLUE SCLERAE; Lobstein disease. Identifiers: Orphanet 216796, Orphanet 666, MedGen C0023931, MONDO:0008146, OMIM 166200. Disease mechanism: loss of function.
COL1A1-related disorder. Also called: COL1A1- related disease; COL1A1-related condition.
Osteogenesis imperfecta (OI). Identifiers: Orphanet 666, MedGen C0029434, MeSH D010013, MONDO:0019019.

Allele frequency attached by ClinVar (database versions not stated): gnomAD exomes 0.00010 and 0.00017; ExAC 0.00027; 1000 Genomes Project 30x 0.00031; ESP Exome Variant Server 0.00038; 1000 Genomes Project 0.00040; gnomAD 0.00041 and 0.00042; TOPMed 0.00053.
gnomAD v4.1: 214 of 1,613,586 alleles (0.013%); highest among the groups gnomAD compares: African/African-American, 0.14%; no homozygotes.

Submissions (7):

Labcorp Genetics (formerly Invitae), Labcorp
Classification: Likely benign for Osteogenesis imperfecta type I. Last evaluated: 2026-01-12. Review status: criteria provided, single submitter. Criteria: Invitae Variant Classification Sherloc (09022015). Collection method: clinical testing. Allele origin: germline.

Women's Health and Genetics/Laboratory Corporation of America, LabCorp
Classification: Likely benign. Last evaluated: 2025-10-10. Review status: criteria provided, single submitter. Criteria: LabCorp Variant Classification Summary - May 2015. Collection method: clinical testing. Allele origin: germline.

GeneDx
Classification: Likely benign. Last evaluated: 2022-05-24. Review status: criteria provided, single submitter. Criteria: GeneDx Variant Classification Process June 2021. Collection method: clinical testing. Allele origin: germline. Affected: yes.
Comment: See Variant Classification Assertion Criteria.

Centre of Medical Genetics, University Hospital Muenster
Classification: Likely benign. Last evaluated: 2022-02-24. Review status: criteria provided, single submitter. Criteria: ACMG Guidelines, 2015. Collection method: clinical testing. Allele origin: germline. Affected: yes. Observed: 1 variant allele, 1 heterozygote.
Comment: ACMG categories: BS2,BP6

Ambry Genetics
Classification: Likely benign for Cardiovascular phenotype. Last evaluated: 2019-09-19. Review status: criteria provided, single submitter. Criteria: Ambry Variant Classification Scheme 2023. Collection method: clinical testing. Allele origin: germline.

Genome Diagnostics Laboratory, The Hospital for Sick Children
Classification: Likely benign for Osteogenesis imperfecta. Last evaluated: 2019-03-01. Review status: criteria provided, single submitter. Criteria: ACMG Guidelines, 2015. Collection method: clinical testing. Allele origin: germline.

PreventionGenetics, part of Exact Sciences
Classification: Likely benign for COL1A1-related condition. Last evaluated: 2019-10-01. Review status: no assertion criteria provided. Collection method: clinical testing. Allele origin: germline. Not counted in ClinVar's aggregate classification.
Comment: This variant is classified as likely benign based on ACMG/AMP sequence variant interpretation guidelines (Richards et al. 2015 PMID: 25741868, with internal and published modifications).

NM_000088.4(COL1A1):c.2716G>A (p.Gly906Ser)

Gene: COL1A1 (collagen type I alpha 1 chain; minus strand). Cytogenetic location: 17q21.33.
Variant type: single nucleotide variant.
Coding change: c.2716G>A on transcript NM_000088.4 (MANE Select); coding-DNA position 2716, G replaced by A.
Protein change: p.Gly906Ser; replaces glycine 906 with serine.
Molecular consequence: missense variant.
Genome position (GRCh38, 1-based): chr17:50,189,490, C>T on the plus strand (G>A on the coding strand, the complement: COL1A1 is on the minus strand). VCF-style: chr17-50189490-C-T. GRCh37 (hg19) VCF-style: chr17-48266851-C-T.
Other names: short protein forms G906S.
Identifiers: ClinVar variation 377715 (VCV000377715.26), dbSNP rs145446512, ClinGen allele CA8644695.